The following is an entry in ClinVar:

ClinVar aggregate classification (germline): Uncertain significance (1 of 4 stars; one submission).

Conditions:
Axenfeld-Rieger syndrome type 3 (RIEG3). Also called: AXENFELD-RIEGER ANOMALY WITH CARDIAC DEFECTS AND/OR SENSORINEURAL HEARING LOSS. Identifiers: Orphanet 782, MedGen C2678503, MONDO:0011233, OMIM 602482.

Allele frequency attached by ClinVar (database versions not stated): gnomAD 0.00001.

Submission:

Labcorp Genetics (formerly Invitae), Labcorp
Classification: Uncertain significance for Axenfeld-Rieger syndrome type 3. Last evaluated: 2023-11-29. Review status: criteria provided, single submitter. Criteria: Invitae Variant Classification Sherloc (09022015). Collection method: clinical testing. Allele origin: germline.
Comment: This sequence change replaces glycine, which is neutral and non-polar, with alanine, which is neutral and non-polar, at codon 418 of the FOXC1 protein (p.Gly418Ala). This variant is present in population databases (no rsID available, gnomAD 0.01%). This variant has not been reported in the literature in individuals affected with FOXC1-related conditions. Algorithms developed to predict the effect of missense changes on protein structure and function output the following: SIFT: "Not Available"; PolyPhen-2: "Possibly Damaging"; Align-GVGD: "Not Available". The alanine amino acid residue is found in multiple mammalian species, which suggests that this missense change does not adversely affect protein function. In summary, the available evidence is currently insufficient to determine the role of this variant in disease. Therefore, it has been classified as a Variant of Uncertain Significance.

NM_001453.3(FOXC1):c.1253G>C (p.Gly418Ala)

Gene: FOXC1 (forkhead box C1; plus strand). Cytogenetic location: 6p25.3.
Variant type: single nucleotide variant.
Coding change: c.1253G>C on transcript NM_001453.3 (MANE Select); coding-DNA position 1253, G replaced by C.
Protein change: p.Gly418Ala; replaces glycine 418 with alanine.
Molecular consequence: missense variant.
Genome position (GRCh38, 1-based): chr6:1,611,698, G>C. VCF-style: chr6-1611698-G-C. GRCh37 (hg19) VCF-style: chr6-1611933-G-C.
Other names: short protein forms G418A.
Identifiers: ClinVar variation 2913939 (VCV002913939.3), dbSNP rs1056318557, ClinGen allele CA133391205.
Genomic context (GRCh38, chr6:1,611,698, plus strand): 5'-AAGCCATGAGCCTGTACGCGGCCGGCGAGCGCGGGGGCCACTTGCAGGGCGCGCCCGGGG[G>C]CGCGGGCGGCTCGGCCGTGGACGACCCCCTGCCCGACTACTCTCTGCCTCCGGTCACCAG-3'
Protein context (NP_001444.2, residues 408-428): RGGHLQGAPG[Gly418Ala]AGGSAVDDPL